The following is an entry in ClinVar:

NM_007186.6(CEP250):c.990TAG[1] (p.Ser331del)

Genes: CEP250 (centrosomal protein 250; plus strand), CEP250-AS1 (CEP250 antisense RNA 1; minus strand). Cytogenetic location: 20q11.22.
Variant type: Microsatellite.
Coding change: c.990TAG[1] on transcript NM_007186.6 (MANE Select); one copy of the 3-base unit TAG starting at c.990; the reference has two copies in a row; one copy, 3 bases deleted.
Protein change: p.Ser331del; deletes serine 331.
Molecular consequence: inframe deletion. On other transcripts: 5 prime UTR variant (1).
Genome position (GRCh38, 1-based): chr20:35,472,094-35,472,096, TAG deleted; deleting any 3 consecutive bases within chr20:35,472,091-35,472,096 gives the same sequence; the position shown is the placement nearest the transcript's 3' end. VCF-style (leftmost placement, unchanged base first): chr20-35472090-TTAG-T. GRCh37 (hg19) VCF-style: chr20-34059915-TTAG-T.
Other names: c.-910TAG[1] (NM_001318219.1); short protein forms S331del.
Identifiers: ClinVar variation 1007109 (VCV001007109.9), dbSNP rs2063037830, ClinGen allele CA2361666333.

ClinVar aggregate classification (germline): Uncertain significance (1 of 4 stars; one submission).

Submission:

Labcorp Genetics (formerly Invitae), Labcorp
Classification: Uncertain significance. Last evaluated: 2020-07-08. Review status: criteria provided, single submitter. Criteria: Invitae Variant Classification Sherloc (09022015). Collection method: clinical testing. Allele origin: germline.
Comment: This variant, c.993_995del, results in the deletion of 1 amino acid(s) of the CEP250 protein (p.Ser331del), but otherwise preserves the integrity of the reading frame. This variant is not present in population databases (ExAC no frequency). This variant has not been reported in the literature in individuals with CEP250-related conditions. Experimental studies and prediction algorithms are not available or were not evaluated, and the functional significance of this variant is currently unknown. In summary, the available evidence is currently insufficient to determine the role of this variant in disease. Therefore, it has been classified as a Variant of Uncertain Significance.